The following is an entry in ClinVar:

ClinVar aggregate classification (germline): Likely benign (1 of 4 stars; one submission).

Allele frequency attached by ClinVar (database versions not stated): 1000 Genomes Project 0.01178; ESP Exome Variant Server 0.01438; 1000 Genomes Project 30x 0.01483.
gnomAD v4.1: 3,755 of 1,613,336 alleles (0.23%); highest among the groups gnomAD compares: African/African-American, 4.5%; 84 homozygotes.

Submission:

CeGaT Center for Human Genetics Tuebingen
Classification: Likely benign. Last evaluated: 2022-04-01. Review status: criteria provided, single submitter. Criteria: CeGaT Center For Human Genetics Tuebingen Variant Classification Criteria Version 2. Collection method: clinical testing. Allele origin: germline. Affected: yes. Observed: 1 variant allele.
Comment: ATP10B: BP4

NM_025153.3(ATP10B):c.482C>T (p.Thr161Ile)

Gene: ATP10B (ATPase phospholipid transporting 10B (putative); minus strand). Cytogenetic location: 5q34.
Variant type: single nucleotide variant.
Coding change: c.482C>T on transcript NM_025153.3 (MANE Select); coding-DNA position 482, C replaced by T.
Protein change: p.Thr161Ile; replaces threonine 161 with isoleucine.
Molecular consequence: missense variant.
Genome position (GRCh38, 1-based): chr5:160,670,656, G>A on the plus strand (C>T on the coding strand, the complement: ATP10B is on the minus strand). VCF-style: chr5-160670656-G-A. GRCh37 (hg19) VCF-style: chr5-160097663-G-A.
Other names: c.482C>T, p.Thr161Ile (NM_001366652.1, NM_001366653.2, NM_001366655.1 and 2 more transcripts); c.614C>T, p.Thr205Ile (NM_001366654.2); c.398C>T, p.Thr133Ile (NM_001366658.2, NM_001410822.1); short protein forms T133I, T161I, T205I.
Identifiers: ClinVar variation 2656017 (VCV002656017.24), dbSNP rs73306687, ClinGen allele CA3543108.